The following is an entry in ClinVar:

ClinVar aggregate classification (germline): Benign/Likely benign. Review status: criteria provided, multiple submitters, no conflicts (2 of 4 stars). 8 submissions from 8 submitters: Benign (1); Likely benign (5). 2 of the submissions do not count toward it. Last evaluated 2026-02-03.

Conditions:
Developmental and epileptic encephalopathy, 36 (DEE36). Also called: Epileptic encephalopathy, early infantile, 36; Congenital disorder of glycosylation, type Is; ALG13-CDG. Identifiers: Orphanet 324422, MedGen C4317295, MONDO:0010472, OMIM 300884.

Allele frequency attached by ClinVar (database versions not stated): gnomAD 0.00058 and 0.00192; gnomAD exomes 0.00180.

Submissions (8):

Labcorp Genetics (formerly Invitae), Labcorp
Classification: Likely benign for Developmental and epileptic encephalopathy, 36. Last evaluated: 2026-02-03. Review status: criteria provided, single submitter. Criteria: Invitae Variant Classification Sherloc (09022015). Collection method: clinical testing. Allele origin: germline.

CeGaT Center for Human Genetics Tuebingen
Classification: Likely benign. Last evaluated: 2023-09-01. Review status: criteria provided, single submitter. Criteria: CeGaT Center For Human Genetics Tuebingen Variant Classification Criteria Version 2. Collection method: clinical testing. Allele origin: germline. Affected: yes. Observed: 1 variant allele.
Comment: ALG13: BP4, BP7

Fulgent Genetics
Classification: Likely benign for Developmental and epileptic encephalopathy, 36. Last evaluated: 2021-10-04. Review status: criteria provided, single submitter. Criteria: ACMG Guidelines, 2015. Collection method: clinical testing. Allele origin: unknown.

Mayo Clinic Laboratories, Mayo Clinic
Classification: Benign. Last evaluated: 2021-04-12. Review status: criteria provided, single submitter. Criteria: ACMG Guidelines, 2015. Collection method: clinical testing. Allele origin: germline. Observed: 34 variant alleles.

GeneDx
Classification: Likely benign. Last evaluated: 2017-08-16. Review status: criteria provided, single submitter. Criteria: GeneDx Variant Classification (06012015). Collection method: clinical testing. Allele origin: germline. Affected: yes.
Comment: This variant is considered likely benign or benign based on one or more of the following criteria: it is a conservative change, it occurs at a poorly conserved position in the protein, it is predicted to be benign by multiple in silico algorithms, and/or has population frequency not consistent with disease.

Breakthrough Genomics
Classification: Likely benign. Review status: criteria provided, single submitter. Criteria: ACMG Guidelines, 2015. Collection method: not provided. Allele origin: germline. Inheritance: X-linked inheritance. Affected: yes.

Clinical Genetics DNA and cytogenetics Diagnostics Lab, Erasmus MC, Erasmus Medical Center
Classification: Likely benign. Review status: no assertion criteria provided. Collection method: clinical testing. Allele origin: germline. Affected: yes. Study: VKGL Data-share Consensus. Not counted in ClinVar's aggregate classification.

Genome Diagnostics Laboratory, University Medical Center Utrecht
Classification: Likely benign. Review status: no assertion criteria provided. Collection method: clinical testing. Allele origin: germline. Affected: yes. Study: VKGL Data-share Consensus. Not counted in ClinVar's aggregate classification.

NM_001099922.3(ALG13):c.2796A>T (p.Pro932=)

Gene: ALG13 (ALG13 UDP-N-acetylglucosaminyltransferase subunit; plus strand). Cytogenetic location: Xq23.
Variant type: single nucleotide variant.
Coding change: c.2796A>T on transcript NM_001099922.3 (MANE Select); coding-DNA position 2796, A replaced by T.
Protein change: p.Pro932=; no amino-acid change (proline 932 retained).
Molecular consequence: synonymous variant. On other transcripts: intron variant (5).
Genome position (GRCh38, 1-based): chrX:111,744,768, A>T. VCF-style: chrX-111744768-A-T. GRCh37 (hg19) VCF-style: chrX-110987996-A-T.
Other names: p.Pro932=; c.2562A>T, p.Pro854= (NM_001257231.2); c.2383+7889A>T (NM_001257237.2, NM_001257234.2, NM_001257230.2); c.2209+7889A>T (NM_001324293.1); c.2695+7889A>T (NM_001324292.2).
Identifiers: ClinVar variation 516407 (VCV000516407.41), dbSNP rs748742452, ClinGen allele CA334445775.
Genomic context (GRCh38, chrX:111,744,768, plus strand): 5'-TCATGCTGGTGCCTCTCTACCACCACCACCACCACCACCACCACCACCACCACCACCACC[A>T]CCTCCTCCTCCTCCTCCTCCTCCTCCTCCTCCTCCTCCTGCTCTTGATGTGGGAGAGACT-3'
Protein context (NP_001093392.1, residues 922-942): PPPPPPPPPP[Pro932=]PPPPPPPPPP